The following is an entry in ClinVar:

ClinVar aggregate classification (germline): Likely pathogenic. Review status: criteria provided, multiple submitters, no conflicts (2 of 4 stars). 2 submissions from 2 submitters: Likely pathogenic (2). Last evaluated 2024-09-19.

Conditions:
SPTB-related disorder. Also called: SPTB-related condition; SPTB-Related Disorders.

Submissions (2):

Revvity Omics, Revvity
Classification: Likely pathogenic. Last evaluated: 2024-09-19. Review status: criteria provided, single submitter. Criteria: ACMG Guidelines, 2015. Collection method: clinical testing. Allele origin: germline.

PreventionGenetics, part of Exact Sciences
Classification: Likely pathogenic for SPTB-related condition. Last evaluated: 2023-01-15. Review status: criteria provided, single submitter. Criteria: ACMG Guidelines, 2015. Collection method: clinical testing. Allele origin: germline.
Comment: The SPTB c.2317C>T variant is predicted to result in premature protein termination (p.Gln773*). To our knowledge, this variant has not been reported in the literature or in a large population database, indicating this variant is rare. Nonsense variants in SPTB are expected to be pathogenic. This variant is interpreted as likely pathogenic.

NM_001355436.2(SPTB):c.2317C>T (p.Gln773Ter)

Gene: SPTB (spectrin beta, erythrocytic; minus strand). Cytogenetic location: 14q23.3.
Variant type: single nucleotide variant.
Coding change: c.2317C>T on transcript NM_001355436.2 (MANE Select); coding-DNA position 2317, C replaced by T.
Protein change: p.Gln773Ter; replaces glutamine 773 with a stop codon.
Molecular consequence: nonsense.
Genome position (GRCh38, 1-based): chr14:64,793,346, G>A on the plus strand (C>T on the coding strand, the complement: SPTB is on the minus strand). VCF-style: chr14-64793346-G-A. GRCh37 (hg19) VCF-style: chr14-65260064-G-A.
Other names: c.2317C>T, p.Gln773Ter (NM_001024858.4, NM_001355437.2); short protein forms Q773*.
Identifiers: ClinVar variation 2630014 (VCV002630014.2), dbSNP rs1396334985, ClinGen allele CA390017971.